The following is an entry in ClinVar:

ClinVar aggregate classification (germline): Uncertain significance (1 of 4 stars; one submission).

Conditions:
Inborn genetic diseases. Identifiers: MedGen C0950123, MeSH D030342.

Submission:

Ambry Genetics
Classification: Uncertain significance for Inborn genetic diseases. Last evaluated: 2025-06-25. Review status: criteria provided, single submitter. Criteria: Ambry Variant Classification Scheme 2023. Collection method: clinical testing. Allele origin: germline.
Comment: The p.N329K variant (also known as c.987C>A), located in coding exon 3 of the GATA2 gene, results from a C to A substitution at nucleotide position 987. The asparagine at codon 329 is replaced by lysine, an amino acid with similar properties. This amino acid position is conserved. In addition, this alteration is predicted to be deleterious by in silico analysis. Based on the available evidence, the clinical significance of this variant remains unclear.

NM_032638.5(GATA2):c.987C>A (p.Asn329Lys)

Gene: GATA2 (GATA binding protein 2; minus strand). Cytogenetic location: 3q21.3.
Variant type: single nucleotide variant.
Coding change: c.987C>A on transcript NM_032638.5 (MANE Select); coding-DNA position 987, C replaced by A.
Protein change: p.Asn329Lys; replaces asparagine 329 with lysine.
Molecular consequence: missense variant.
Genome position (GRCh38, 1-based): chr3:128,483,890, G>T on the plus strand (C>A on the coding strand, the complement: GATA2 is on the minus strand). VCF-style: chr3-128483890-G-T. GRCh37 (hg19) VCF-style: chr3-128202733-G-T.
Other names: c.987C>A, p.Asn329Lys (NM_001145661.2, NM_001145662.1); short protein forms N329K.
Identifiers: ClinVar variation 4262112 (VCV004262112.1).